The following is an entry in ClinVar:

ClinVar aggregate classification (germline): Uncertain significance (1 of 4 stars; one submission).

gnomAD v4.1: 14 of 1,612,276 alleles (0.00087%); highest among the groups gnomAD compares: South Asian, 0.011%; no homozygotes.

Submission:

Labcorp Genetics (formerly Invitae), Labcorp
Classification: Uncertain significance. Last evaluated: 2025-03-11. Review status: criteria provided, single submitter. Criteria: Invitae Variant Classification Sherloc (09022015). Collection method: clinical testing. Allele origin: germline.
Comment: This sequence change replaces serine, which is neutral and polar, with asparagine, which is neutral and polar, at codon 2151 of the HMCN1 protein (p.Ser2151Asn). This variant is present in population databases (rs769993012, gnomAD 0.006%). This variant has not been reported in the literature in individuals affected with HMCN1-related conditions. An algorithm developed to predict the effect of missense changes on protein structure and function (PolyPhen-2) suggests that this variant is likely to be tolerated. In summary, the available evidence is currently insufficient to determine the role of this variant in disease. Therefore, it has been classified as a Variant of Uncertain Significance.

NM_031935.3(HMCN1):c.6452G>A (p.Ser2151Asn)

Gene: HMCN1 (hemicentin 1; plus strand). Cytogenetic location: 1q31.1.
Variant type: single nucleotide variant.
Coding change: c.6452G>A on transcript NM_031935.3 (MANE Select); coding-DNA position 6452, G replaced by A.
Protein change: p.Ser2151Asn; replaces serine 2151 with asparagine.
Molecular consequence: missense variant.
Genome position (GRCh38, 1-based): chr1:186,045,835, G>A. VCF-style: chr1-186045835-G-A. GRCh37 (hg19) VCF-style: chr1-186014967-G-A.
Other names: short protein forms S2151N.
Identifiers: ClinVar variation 3707879 (VCV003707879.2).